The following is an entry in ClinVar:

ClinVar aggregate classification (germline): Uncertain significance (1 of 4 stars; one submission).

Submission:

Labcorp Genetics (formerly Invitae), Labcorp
Classification: Uncertain significance. Last evaluated: 2024-06-13. Review status: criteria provided, single submitter. Criteria: Invitae Variant Classification Sherloc (09022015). Collection method: clinical testing. Allele origin: germline.
Comment: This sequence change replaces lysine, which is basic and polar, with arginine, which is basic and polar, at codon 351 of the JAK1 protein (p.Lys351Arg). This variant is not present in population databases (gnomAD no frequency). This variant has not been reported in the literature in individuals affected with JAK1-related conditions. Algorithms developed to predict the effect of missense changes on protein structure and function output the following: SIFT: "Not Available"; PolyPhen-2: "Benign"; Align-GVGD: "Not Available". The arginine amino acid residue is found in multiple mammalian species, which suggests that this missense change does not adversely affect protein function. In summary, the available evidence is currently insufficient to determine the role of this variant in disease. Therefore, it has been classified as a Variant of Uncertain Significance.

NM_002227.4(JAK1):c.1052A>G (p.Lys351Arg)

Gene: JAK1 (Janus kinase 1; minus strand). Cytogenetic location: 1p31.3.
Variant type: single nucleotide variant.
Coding change: c.1052A>G on transcript NM_002227.4 (MANE Select); coding-DNA position 1052, A replaced by G.
Protein change: p.Lys351Arg; replaces lysine 351 with arginine.
Molecular consequence: missense variant.
Genome position (GRCh38, 1-based): chr1:64,864,911, T>C on the plus strand (A>G on the coding strand, the complement: JAK1 is on the minus strand). VCF-style: chr1-64864911-T-C. GRCh37 (hg19) VCF-style: chr1-65330594-T-C.
Other names: c.1052A>G, p.Lys351Arg (NM_001320923.2, NM_001321852.2, NM_001321853.2 and 4 more transcripts); short protein forms K351R.
Identifiers: ClinVar variation 3675422 (VCV003675422.2).